The following is an entry in ClinVar:

NM_014363.6(SACS):c.4839A>G (p.Lys1613=)

Gene: SACS (sacsin molecular chaperone; minus strand). Cytogenetic location: 13q12.12.
Variant type: single nucleotide variant.
Coding change: c.4839A>G on transcript NM_014363.6 (MANE Select); coding-DNA position 4839, A replaced by G.
Protein change: p.Lys1613=; no amino-acid change (lysine 1613 retained).
Molecular consequence: synonymous variant.
Genome position (GRCh38, 1-based): chr13:23,339,037, T>C on the plus strand (A>G on the coding strand, the complement: SACS is on the minus strand). VCF-style: chr13-23339037-T-C. GRCh37 (hg19) VCF-style: chr13-23913176-T-C.
Other names: p.Lys1613=; c.4398A>G, p.Lys1466= (NM_001278055.2).
Identifiers: ClinVar variation 1582234 (VCV001582234.9), dbSNP rs1450484419, ClinGen allele CA483162506.

ClinVar aggregate classification (germline): Likely benign. Review status: criteria provided, multiple submitters, no conflicts (2 of 4 stars). 2 submissions from 2 submitters: Likely benign (2). Last evaluated 2025-04-21.

Conditions:
Spastic paraplegia. Identifiers: MedGen C0037772, HP:0001258.

Allele frequency attached by ClinVar (database versions not stated): gnomAD exomes below 0.00001; TOPMed below 0.00001; gnomAD 0.00001.
gnomAD v4.1: 6 of 1,613,454 alleles (0.00037%); highest among the groups gnomAD compares: South Asian, 0.0044%; no homozygotes.

Submissions (2):

Mayo Clinic Laboratories, Mayo Clinic
Classification: Likely benign. Last evaluated: 2025-04-21. Review status: criteria provided, single submitter. Criteria: ACMG Guidelines, 2015. Collection method: clinical testing. Allele origin: germline. Observed: 1 variant allele.
Comment: BP4, BP7

Labcorp Genetics (formerly Invitae), Labcorp
Classification: Likely benign for Spastic paraplegia. Last evaluated: 2023-11-05. Review status: criteria provided, single submitter. Criteria: Invitae Variant Classification Sherloc (09022015). Collection method: clinical testing. Allele origin: germline.